The following is an entry in ClinVar:

ClinVar aggregate classification (germline): Uncertain significance (1 of 4 stars; one submission).

Conditions:
Desbuquois dysplasia 2 (DBQD2). Also called: Baratela-Scott syndrome. Identifiers: Orphanet 1425, MedGen C4014294, MONDO:0014343, OMIM 615777.

Submission:

3billion
Classification: Uncertain significance for Desbuquois dysplasia 2. Last evaluated: 2025-02-12. Review status: criteria provided, single submitter. Criteria: ACMG Guidelines, 2015. Collection method: clinical testing. Allele origin: germline. Affected: yes.
Comment: The variant is not observed in the gnomAD v4.1.0 dataset. Predicted Consequence/Location: Intron variant In silico tools predict the variant to alter splicing and produce an abnormal transcript [SpliceAI: 0.22 (>=0.2, moderate evidence for spliceogenicity)]. Therefore, this variant is classified as VUS according to the recommendation of ACMG/AMP guideline.

NM_022166.4(XYLT1):c.1764+1555G>C

Genes: XYLT1 (xylosyltransferase 1; minus strand), LOC102723692 (uncharacterized LOC102723692; plus strand). Cytogenetic location: 16p12.3.
Variant type: single nucleotide variant.
Coding change: c.1764+1555G>C on transcript NM_022166.4 (MANE Select); 1555 bases into the intron after coding-DNA position 1764, G replaced by C.
Molecular consequence: intron variant.
Genome position (GRCh38, 1-based): chr16:17,136,800, C>G on the plus strand (G>C on the coding strand, the complement: XYLT1 is on the minus strand). VCF-style: chr16-17136800-C-G. GRCh37 (hg19) VCF-style: chr16-17230657-C-G.
Identifiers: ClinVar variation 4292607 (VCV004292607.1).
Genomic context (GRCh38, chr16:17,136,800, plus strand): 5'-TCCTTACAGGCAGCAGTGTCTTGACTCTAGATCTTGGGGGATATTCTTAATCTCTGCTTG[C>G]TGTGAACACATGAGGCACTCCTTGTCAGAGGCTACAATGTCCCCAGGATGCCGGGCTAGG-3'